The following is an entry in ClinVar:

ClinVar aggregate classification (germline): Uncertain significance (1 of 4 stars; one submission).

Conditions:
Hereditary cancer-predisposing syndrome. Also called: Tumor predisposition; Hereditary Cancer Syndrome; Hereditary neoplastic syndrome; Neoplastic Syndromes, Hereditary. Identifiers: Orphanet 140162, MedGen C0027672, MeSH D009386, MONDO:0015356.

gnomAD v4.1: 1 of 1,583,710 alleles (0.000063%); highest among the groups gnomAD compares: Non-Finnish European, 0.000087%; no homozygotes.

Submission:

Ambry Genetics
Classification: Uncertain significance for Hereditary cancer-predisposing syndrome. Last evaluated: 2024-05-13. Review status: criteria provided, single submitter. Criteria: Ambry Variant Classification Scheme 2023. Collection method: clinical testing. Allele origin: germline.
Comment: The p.E806V variant (also known as c.2417A>T), located in coding exon 17 of the MSH3 gene, results from an A to T substitution at nucleotide position 2417. The glutamic acid at codon 806 is replaced by valine, an amino acid with dissimilar properties. This amino acid position is conserved. In addition, this alteration is predicted to be deleterious by in silico analysis. Based on the available evidence, the clinical significance of this variant remains unclear.

NM_002439.5(MSH3):c.2417A>T (p.Glu806Val)

Gene: MSH3 (mutS homolog 3; plus strand). Cytogenetic location: 5q14.1.
Variant type: single nucleotide variant.
Coding change: c.2417A>T on transcript NM_002439.5 (MANE Select); coding-DNA position 2417, A replaced by T.
Protein change: p.Glu806Val; replaces glutamic acid 806 with valine.
Molecular consequence: missense variant.
Genome position (GRCh38, 1-based): chr5:80,778,818, A>T. VCF-style: chr5-80778818-A-T. GRCh37 (hg19) VCF-style: chr5-80074637-A-T.
Other names: short protein forms E806V.
Identifiers: ClinVar variation 3296292 (VCV003296292.1).